The following is an entry in ClinVar:

ClinVar aggregate classification (germline): Conflicting classifications of pathogenicity. Review status: criteria provided, conflicting classifications (1 of 4 stars). 2 submissions from 2 submitters: Likely pathogenic (1); Uncertain significance (1). Last evaluated 2024-06-15.

Conditions:
Nonsyndromic congenital nail disorder 8. Also called: TOENAIL DYSTROPHY, ISOLATED. Identifiers: MedGen C1843761, MONDO:0011852, OMIM 607523.
Pretibial dystrophic epidermolysis bullosa. Also called: EPIDERMOLYSIS BULLOSA DYSTROPHICA, PRETIBIAL; Pretibial epidermolysis bullosa; Pretibial blistering. Identifiers: Orphanet 79410, MedGen C0432321, MONDO:0007552, OMIM 131850, HP:0012221.
Recessive dystrophic epidermolysis bullosa (RDEB). Also called: DYSTROPHIC EPIDERMOLYSIS BULLOSA, AUTOSOMAL RECESSIVE; EPIDERMOLYSIS BULLOSA DYSTROPHICA, HALLOPEAU-SIEMENS TYPE; Hallopeau-Siemens Disease; Epidermolysis Bullosa Distrophica Autosomal Recessive (RDEB); epidermolysis bullosa dystrophica, autosomal recessive; severe generalized recessive dystrophic epidermolysis bullosa. Identifiers: Orphanet 79408, Orphanet 79409, MedGen C0079474, MONDO:0009179, OMIM 226600.
Dominant dystrophic epidermolysis bullosa with absence of skin. Also called: EPIDERMOLYSIS BULLOSA WITH CONGENITAL LOCALIZED ABSENCE OF SKIN AND DEFORMITY OF NAILS; EPIDERMOLYSIS BULLOSA DYSTROPHICA, BART TYPE. Identifiers: MedGen C0268371, MONDO:0007557, OMIM 132000.
Generalized dominant dystrophic epidermolysis bullosa (DDEB). Also called: DDEB, generalized; DDEB-gen; DYSTROPHIC EPIDERMOLYSIS BULLOSA, AUTOSOMAL DOMINANT; Epidermolysis bullosa dystrophica, autosomal dominant; Dominant DEB (DDEB). Identifiers: Orphanet 231568, MedGen C0432322, MONDO:0007549, OMIM 131750.
Transient bullous dermolysis of the newborn (TBDN). Also called: DYSTROPHIC EPIDERMOLYSIS BULLOSA, NEONATAL; EPIDERMOLYSIS BULLOSA DYSTROPHICA, NEONATAL FORM. Identifiers: Orphanet 79411, MedGen C1851573, MONDO:0007548, OMIM 131705.
Epidermolysis bullosa pruriginosa. Also called: DEB, PRURIGINOSA; DYSTROPHIC EPIDERMOLYSIS BULLOSA PRURIGINOSA. Identifiers: Orphanet 89843, MedGen C1275114, MONDO:0011398, OMIM 604129.

Submissions (2):

Fulgent Genetics
Classification: Likely pathogenic for Transient bullous dermolysis of the newborn; Generalized dominant dystrophic epidermolysis bullosa; Pretibial dystrophic epidermolysis bullosa; Dominant dystrophic epidermolysis bullosa with absence of skin; Recessive dystrophic epidermolysis bullosa; Epidermolysis bullosa pruriginosa; Nonsyndromic congenital nail disorder 8. Last evaluated: 2024-06-15. Review status: criteria provided, single submitter. Criteria: ACMG Guidelines, 2015. Collection method: clinical testing. Allele origin: germline.

Women's Health and Genetics/Laboratory Corporation of America, LabCorp
Classification: Uncertain significance. Last evaluated: 2024-06-11. Review status: criteria provided, single submitter. Criteria: LabCorp Variant Classification Summary - May 2015. Collection method: clinical testing. Allele origin: germline.
Comment: Variant summary: COL7A1 c.6670G>A (p.Gly2224Arg) results in a non-conservative amino acid change in the encoded protein sequence. Five of five in-silico tools predict a damaging effect of the variant on protein function. The variant was absent in 251012 control chromosomes. The available data on variant occurrences in the general population are insufficient to allow any conclusion about variant significance. To our knowledge, no occurrence of c.6670G>A in individuals affected with Dystrophic Epidermolysis Bullosa, Recessive and no experimental evidence demonstrating its impact on protein function have been reported. No submitters have cited clinical-significance assessments for this variant to ClinVar. Based on the evidence outlined above, the variant was classified as uncertain significance.

NM_000094.4(COL7A1):c.6670G>A (p.Gly2224Arg)

Gene: COL7A1 (collagen type VII alpha 1 chain; minus strand). Cytogenetic location: 3p21.31.
Variant type: single nucleotide variant.
Coding change: c.6670G>A on transcript NM_000094.4 (MANE Select); coding-DNA position 6670, G replaced by A.
Protein change: p.Gly2224Arg; replaces glycine 2224 with arginine.
Molecular consequence: missense variant.
Genome position (GRCh38, 1-based): chr3:48,573,218, C>T on the plus strand (G>A on the coding strand, the complement: COL7A1 is on the minus strand). VCF-style: chr3-48573218-C-T. GRCh37 (hg19) VCF-style: chr3-48610651-C-T.
Other names: short protein forms G2224R.
Identifiers: ClinVar variation 3339623 (VCV003339623.2).
Genomic context (GRCh38, chr3:48,573,218, plus strand): 5'-ACAGGGACTCACTCACCACAAGGCCTGAAGGGCCGGGGGGTCCAGGAAGTCCCACAGCTC[C>T]AGTAGGTCCAGTCAGGCCCTGGAGGAAGAGAAAGTTCAGGGCAGTGCCAACCCCACCCAT-3'
Protein context (NP_000085.1, residues 2214-2234): PPGRGLTGPT[Gly2224Arg]AVGLPGPPGP